The following is an entry in ClinVar:

ClinVar aggregate classification (germline): Uncertain significance (1 of 4 stars; one submission).

gnomAD v4.1: 7 of 152,262 alleles (0.0046%); highest among the groups gnomAD compares: East Asian, 0.14%; no homozygotes.

Submission:

Centre of Medical Genetics, University Hospital Muenster
Classification: Uncertain significance. Last evaluated: 2025-03-24. Review status: criteria provided, single submitter. Criteria: ACMG Guidelines, 2015. Collection method: clinical testing. Allele origin: unknown. Affected: yes. Observed: 1 variant allele, 1 heterozygote.
Comment: ACMG categories: PM2

NM_005901.6(SMAD2):c.*31769C>T

Gene: SMAD2 (SMAD family member 2; minus strand). Cytogenetic location: 18q21.1.
Variant type: single nucleotide variant.
Coding change: c.*31769C>T on transcript NM_005901.6 (MANE Select); 31769 bases downstream of the stop codon, C replaced by T.
Molecular consequence: 3 prime UTR variant.
Genome position (GRCh38, 1-based): chr18:47,810,058, G>A on the plus strand (C>T on the coding strand, the complement: SMAD2 is on the minus strand). VCF-style: chr18-47810058-G-A. GRCh37 (hg19) VCF-style: chr18-45336429-G-A.
Other names: c.*31769C>T (NM_001003652.4, NM_001135937.3).
Identifiers: ClinVar variation 4526357 (VCV004526357.1), dbSNP rs982280092.